The following is an entry in ClinVar:

NM_144997.7(FLCN):c.484C>G (p.Leu162Val)

Gene: FLCN (folliculin; minus strand). Cytogenetic location: 17p11.2.
Variant type: single nucleotide variant.
Coding change: c.484C>G on transcript NM_144997.7 (MANE Select); coding-DNA position 484, C replaced by G.
Protein change: p.Leu162Val; replaces leucine 162 with valine.
Molecular consequence: missense variant.
Genome position (GRCh38, 1-based): chr17:17,224,056, G>C on the plus strand (C>G on the coding strand, the complement: FLCN is on the minus strand). VCF-style: chr17-17224056-G-C. GRCh37 (hg19) VCF-style: chr17-17127370-G-C.
Other names: c.484C>G (LRG_325t1); c.538C>G, p.Leu180Val (NM_001353229.2); c.484C>G, p.Leu162Val (NM_001353230.2, NM_001353231.2, NM_144606.7); short protein forms L180V, L162V.
Identifiers: ClinVar variation 656219 (VCV000656219.8), dbSNP rs1597607071, ClinGen allele CA398534453.
Genomic context (GRCh38, chr17:17,224,056, plus strand): 5'-GGTAGATCCGGTCCATCATGATGGTGATGATGCTGTACCAGCGCTGGAAGCCCCTGGCCA[G>C]GCTGTCCTTGATGAAGAAGGTGTGGCTGAACACAAAGCCGTGCTGCTCATCTCCGAAGAA-3'
Protein context (NP_659434.2, residues 152-172): FSHTFFIKDS[Leu162Val]ARGFQRWYSI

ClinVar aggregate classification (germline): Uncertain significance. Review status: criteria provided, multiple submitters, no conflicts (2 of 4 stars). 2 submissions from 2 submitters: Uncertain significance (2). Last evaluated 2025-09-19.

Conditions:
Hereditary cancer-predisposing syndrome. Also called: Neoplastic Syndromes, Hereditary; Hereditary neoplastic syndrome; Hereditary Cancer Syndrome; Tumor predisposition. Identifiers: Orphanet 140162, MedGen C0027672, MeSH D009386, MONDO:0015356.
Birt-Hogg-Dube syndrome. Also called: Birt Hogg Dubé syndrome. Identifiers: Orphanet 122, MedGen C0346010, MONDO:0800444.

Submissions (2):

Ambry Genetics
Classification: Uncertain significance for Hereditary cancer-predisposing syndrome. Last evaluated: 2025-09-19. Review status: criteria provided, single submitter. Criteria: Ambry Variant Classification Scheme 2023. Collection method: clinical testing. Allele origin: germline.
Comment: The p.L162V variant (also known as c.484C>G), located in coding exon 3 of the FLCN gene, results from a C to G substitution at nucleotide position 484. The leucine at codon 162 is replaced by valine, an amino acid with highly similar properties. This amino acid position is conserved. In addition, the in silico prediction for this alteration is inconclusive. Based on the available evidence, the clinical significance of this variant remains unclear.

Labcorp Genetics (formerly Invitae), Labcorp
Classification: Uncertain significance for Birt-Hogg-Dube syndrome. Last evaluated: 2020-11-28. Review status: criteria provided, single submitter. Criteria: Invitae Variant Classification Sherloc (09022015). Collection method: clinical testing. Allele origin: germline.
Comment: In summary, the available evidence is currently insufficient to determine the role of this variant in disease. Therefore, it has been classified as a Variant of Uncertain Significance. Algorithms developed to predict the effect of missense changes on protein structure and function are either unavailable or do not agree on the potential impact of this missense change (SIFT: "Tolerated"; PolyPhen-2: "Possibly Damaging"; Align-GVGD: "Class C0"). This variant has not been reported in the literature in individuals with FLCN-related disease. This variant is not present in population databases (ExAC no frequency). This sequence change replaces leucine with valine at codon 162 of the FLCN protein (p.Leu162Val). The leucine residue is highly conserved and there is a small physicochemical difference between leucine and valine.